The following is an entry in ClinVar:

ClinVar aggregate classification (germline): Uncertain significance. Review status: criteria provided, multiple submitters, no conflicts (2 of 4 stars). 2 submissions from 2 submitters: Uncertain significance (2). Last evaluated 2025-10-02.

Conditions:
Inborn genetic diseases. Identifiers: MedGen C0950123, MeSH D030342.

Allele frequency attached by ClinVar (database versions not stated): gnomAD 0.00001; ExAC 0.00002; gnomAD exomes 0.00002; TOPMed 0.00002; ESP Exome Variant Server 0.00015.
gnomAD v4.1: 34 of 1,613,962 alleles (0.0021%); highest among the groups gnomAD compares: Non-Finnish European, 0.0027%; no homozygotes.

Submissions (2):

Ambry Genetics
Classification: Uncertain significance for Inborn genetic diseases. Last evaluated: 2025-10-02. Review status: criteria provided, single submitter. Criteria: Ambry Variant Classification Scheme 2023. Collection method: clinical testing. Allele origin: germline.

Labcorp Genetics (formerly Invitae), Labcorp
Classification: Uncertain significance. Last evaluated: 2024-11-11. Review status: criteria provided, single submitter. Criteria: Invitae Variant Classification Sherloc (09022015). Collection method: clinical testing. Allele origin: germline.
Comment: This sequence change replaces histidine with arginine at codon 761 of the TRAPPC9 protein (p.His761Arg). The histidine residue is moderately conserved and there is a small physicochemical difference between histidine and arginine. This variant is present in population databases (rs200557642, gnomAD 0.005%). This variant has not been reported in the literature in individuals affected with TRAPPC9-related conditions. ClinVar contains an entry for this variant (Variation ID: 1499303). An algorithm developed to predict the effect of missense changes on protein structure and function outputs the following: PolyPhen-2: "Probably Damaging". The arginine amino acid residue is found in multiple mammalian species, which suggests that this missense change does not adversely affect protein function. In summary, the available evidence is currently insufficient to determine the role of this variant in disease. Therefore, it has been classified as a Variant of Uncertain Significance.

NM_001160372.4(TRAPPC9):c.1988A>G (p.His663Arg)

Gene: TRAPPC9 (trafficking protein particle complex subunit 9; minus strand). Cytogenetic location: 8q24.3.
Variant type: single nucleotide variant.
Coding change: c.1988A>G on transcript NM_001160372.4 (MANE Select); coding-DNA position 1988, A replaced by G.
Protein change: p.His663Arg; replaces histidine 663 with arginine.
Molecular consequence: missense variant. On other transcripts: non-coding transcript variant (1).
Genome position (GRCh38, 1-based): chr8:140,284,015, T>C on the plus strand (A>G on the coding strand, the complement: TRAPPC9 is on the minus strand). VCF-style: chr8-140284015-T-C. GRCh37 (hg19) VCF-style: chr8-141294114-T-C.
Other names: c.1961A>G, p.His654Arg (NM_001321646.2); c.2009A>G, p.His670Arg (NM_001374682.1); c.1988A>G, p.His663Arg (NM_001374683.1, NM_031466.8); c.1844A>G, p.His615Arg (NM_001374684.1); c.2282A>G (NM_031466.5); short protein forms H615R, H654R, H663R, H670R.
Identifiers: ClinVar variation 1499303 (VCV001499303.8), dbSNP rs200557642, ClinGen allele CA4893225.